The following is an entry in ClinVar:

NM_021076.4(NEFH):c.2782G>A (p.Val928Ile)

Gene: NEFH (neurofilament heavy chain; plus strand). Cytogenetic location: 22q12.2.
Variant type: single nucleotide variant.
Coding change: c.2782G>A on transcript NM_021076.4 (MANE Select); coding-DNA position 2782, G replaced by A.
Protein change: p.Val928Ile; replaces valine 928 with isoleucine.
Molecular consequence: missense variant.
Genome position (GRCh38, 1-based): chr22:29,490,422, G>A. VCF-style: chr22-29490422-G-A. GRCh37 (hg19) VCF-style: chr22-29886411-G-A.
Other names: short protein forms V928I.
Identifiers: ClinVar variation 1362027 (VCV001362027.6), dbSNP rs199532217, ClinGen allele CA411138601.

ClinVar aggregate classification (germline): Uncertain significance (1 of 4 stars; one submission).

Submission:

Labcorp Genetics (formerly Invitae), Labcorp
Classification: Uncertain significance. Last evaluated: 2022-02-09. Review status: criteria provided, single submitter. Criteria: Invitae Variant Classification Sherloc (09022015). Collection method: clinical testing. Allele origin: germline.
Comment: This sequence change replaces valine, which is neutral and non-polar, with isoleucine, which is neutral and non-polar, at codon 928 of the NEFH protein (p.Val928Ile). This variant is not present in population databases (gnomAD no frequency). This variant has not been reported in the literature in individuals affected with NEFH-related conditions. Advanced modeling of protein sequence and biophysical properties (such as structural, functional, and spatial information, amino acid conservation, physicochemical variation, residue mobility, and thermodynamic stability) performed at Invitae indicates that this missense variant is not expected to disrupt NEFH protein function. In summary, the available evidence is currently insufficient to determine the role of this variant in disease. Therefore, it has been classified as a Variant of Uncertain Significance.